The following is an entry in ClinVar:

NM_005609.4(PYGM):c.614G>A (p.Gly205Asp)

Gene: PYGM (glycogen phosphorylase, muscle associated; minus strand). Cytogenetic location: 11q13.1.
Variant type: single nucleotide variant.
Coding change: c.614G>A on transcript NM_005609.4 (MANE Select); coding-DNA position 614, G replaced by A.
Protein change: p.Gly205Asp; replaces glycine 205 with aspartic acid.
Molecular consequence: missense variant.
Genome position (GRCh38, 1-based): chr11:64,757,825, C>T on the plus strand (G>A on the coding strand, the complement: PYGM is on the minus strand). VCF-style: chr11-64757825-C-T. GRCh37 (hg19) VCF-style: chr11-64525297-C-T.
Other names: c.350G>A, p.Gly117Asp (NM_001164716.1); short protein forms G117D, G205D.
Identifiers: ClinVar variation 2137134 (VCV002137134.8), dbSNP rs375724338, ClinGen allele CA6080190.

ClinVar aggregate classification (germline): Conflicting classifications of pathogenicity. Review status: criteria provided, conflicting classifications (1 of 4 stars). 3 submissions from 3 submitters: Likely pathogenic (2); Uncertain significance (1). Last evaluated 2025-01-12.

Conditions:
Glycogen storage disease, type V (GSD5). Also called: MUSCLE GLYCOGEN PHOSPHORYLASE DEFICIENCY; PYGM DEFICIENCY; MYOPHOSPHORYLASE DEFICIENCY; MCARDLE DISEASE; McArdle type glycogen storage disease. Identifiers: Orphanet 368, MedGen C0017924, MONDO:0009293, OMIM 232600.
PYGM-related disorder. Also called: PYGM-related condition.

Allele frequency attached by ClinVar (database versions not stated): gnomAD exomes 0.00001; ExAC 0.00002; gnomAD 0.00002; TOPMed 0.00002; ESP Exome Variant Server 0.00008.
gnomAD v4.1: 22 of 1,614,042 alleles (0.0014%); highest among the groups gnomAD compares: Non-Finnish European, 0.0017%; no homozygotes.

Submissions (3):

Labcorp Genetics (formerly Invitae), Labcorp
Classification: Likely pathogenic for Glycogen storage disease, type V. Last evaluated: 2025-01-12. Review status: criteria provided, single submitter. Criteria: Invitae Variant Classification Sherloc (09022015). Collection method: clinical testing. Allele origin: germline.
Comment: This sequence change replaces glycine, which is neutral and non-polar, with aspartic acid, which is acidic and polar, at codon 205 of the PYGM protein (p.Gly205Asp). This variant is present in population databases (rs375724338, gnomAD 0.004%). This missense change has been observed in individual(s) with McArdle disease (PMID: 21802952; internal data). ClinVar contains an entry for this variant (Variation ID: 2137134). Invitae Evidence Modeling of protein sequence and biophysical properties (such as structural, functional, and spatial information, amino acid conservation, physicochemical variation, residue mobility, and thermodynamic stability) indicates that this missense variant is expected to disrupt PYGM protein function with a positive predictive value of 95%. This variant disrupts the p.Gly205 amino acid residue in PYGM. Other variant(s) that disrupt this residue have been determined to be pathogenic (PMID: 8316268, 17221871, 17404776, 17630210, 19251976, 22818872). This suggests that this residue is clinically significant, and that variants that disrupt this residue are likely to be disease-causing. In summary, the currently available evidence indicates that the variant is pathogenic, but additional data are needed to prove that conclusively. Therefore, this variant has been classified as Likely Pathogenic.

Blueprint Genetics
Classification: Likely pathogenic for PYGM-related disorders. Last evaluated: 2023-03-14. Review status: criteria provided, single submitter. Criteria: ACMG Guidelines, 2015. Collection method: clinical testing. Allele origin: germline. Affected: yes. Observed: 1 variant allele.

Revvity Omics, Revvity
Classification: Uncertain significance for Glycogen storage disease, type V. Last evaluated: 2022-12-22. Review status: criteria provided, single submitter. Criteria: ACMG Guidelines, 2015. Collection method: clinical testing. Allele origin: germline.

Literature cited by the submitters: PubMed 21802952 (cited by Labcorp Genetics (formerly Invitae), Labcorp); PubMed 8316268 (cited by Labcorp Genetics (formerly Invitae), Labcorp); PubMed 17221871 (cited by Labcorp Genetics (formerly Invitae), Labcorp); PubMed 17404776 (cited by Labcorp Genetics (formerly Invitae), Labcorp); PubMed 17630210 (cited by Labcorp Genetics (formerly Invitae), Labcorp); PubMed 19251976 (cited by Labcorp Genetics (formerly Invitae), Labcorp); PubMed 22818872 (cited by Labcorp Genetics (formerly Invitae), Labcorp).